The following is an entry in ClinVar:

ClinVar aggregate classification (germline): Likely benign (0 of 4 stars; one submission).

Conditions:
CYB561-related disorder. Also called: CYB561-related condition.

Allele frequency attached by ClinVar (database versions not stated): TOPMed 0.00015; ExAC 0.00024; gnomAD 0.00027; ESP Exome Variant Server 0.00038.
gnomAD v4.1: 332 of 1,614,146 alleles (0.021%); highest among the groups gnomAD compares: Non-Finnish European, 0.026%; 1 homozygote.

Submission:

PreventionGenetics, part of Exact Sciences
Classification: Likely benign for CYB561-related condition. Last evaluated: 2019-09-17. Review status: no assertion criteria provided. Collection method: clinical testing. Allele origin: germline.
Comment: This variant is classified as likely benign based on ACMG/AMP sequence variant interpretation guidelines (Richards et al. 2015 PMID: 25741868, with internal and published modifications).

NM_001915.4(CYB561):c.318C>T (p.Phe106=)

Gene: CYB561 (cytochrome b561; minus strand). Cytogenetic location: 17q23.3.
Variant type: single nucleotide variant.
Coding change: c.318C>T on transcript NM_001915.4 (MANE Select); coding-DNA position 318, C replaced by T.
Protein change: p.Phe106=; no amino-acid change (phenylalanine 106 retained).
Molecular consequence: synonymous variant.
Genome position (GRCh38, 1-based): chr17:63,435,775, G>A on the plus strand (C>T on the coding strand, the complement: CYB561 is on the minus strand). VCF-style: chr17-63435775-G-A. GRCh37 (hg19) VCF-style: chr17-61513136-G-A.
Other names: c.318C>T, p.Phe106= (NM_001017916.2, NM_001017917.2); c.339C>T, p.Phe113= (NM_001330421.2).
Identifiers: ClinVar variation 3040835 (VCV003040835.2), dbSNP rs148408441, ClinGen allele CA8698755.